The following is an entry in ClinVar:

ClinVar aggregate classification (germline): Uncertain significance (1 of 4 stars; one submission).

Conditions:
Immunodeficiency, common variable, 2 (CVID2). Also called: ANTIBODY DEFICIENCY DUE TO TACI DEFECT; HYPOGAMMAGLOBULINEMIA DUE TO TACI DEFICIENCY. Identifiers: Orphanet 1572, MedGen C3150354, MONDO:0009413, OMIM 240500.

gnomAD v4.1: 14 of 1,610,604 alleles (0.00087%); highest among the groups gnomAD compares: African/African-American, 0.008%; no homozygotes.

Submission:

Labcorp Genetics (formerly Invitae), Labcorp
Classification: Uncertain significance for Immunodeficiency, common variable, 2. Last evaluated: 2025-06-18. Review status: criteria provided, single submitter. Criteria: Invitae Variant Classification Sherloc (09022015). Collection method: clinical testing. Allele origin: germline.
Comment: This sequence change replaces glutamic acid, which is acidic and polar, with lysine, which is basic and polar, at codon 225 of the TNFRSF13B protein (p.Glu225Lys). This variant is present in population databases (rs368290908, gnomAD 0.008%). This variant has not been reported in the literature in individuals affected with TNFRSF13B-related conditions. ClinVar contains an entry for this variant (Variation ID: 3610560). Invitae Evidence Modeling of protein sequence and biophysical properties (such as structural, functional, and spatial information, amino acid conservation, physicochemical variation, residue mobility, and thermodynamic stability) indicates that this missense variant is not expected to disrupt TNFRSF13B protein function with a negative predictive value of 95%. In summary, the available evidence is currently insufficient to determine the role of this variant in disease. Therefore, it has been classified as a Variant of Uncertain Significance.

NM_012452.3(TNFRSF13B):c.673G>A (p.Glu225Lys)

Gene: TNFRSF13B (TNF receptor superfamily member 13B; minus strand). Cytogenetic location: 17p11.2.
Variant type: single nucleotide variant.
Coding change: c.673G>A on transcript NM_012452.3 (MANE Select); coding-DNA position 673, G replaced by A.
Protein change: p.Glu225Lys; replaces glutamic acid 225 with lysine.
Molecular consequence: missense variant.
Genome position (GRCh38, 1-based): chr17:16,939,756, C>T on the plus strand (G>A on the coding strand, the complement: TNFRSF13B is on the minus strand). VCF-style: chr17-16939756-C-T. GRCh37 (hg19) VCF-style: chr17-16843070-C-T.
Other names: short protein forms E225K.
Identifiers: ClinVar variation 3610560 (VCV003610560.2).